The following is an entry in ClinVar:

NC_000008.11:g.67064342C>T

Gene: CSPP1 (centrosome and spindle pole associated protein 1; plus strand). Cytogenetic location: 8q13.1.
Variant type: single nucleotide variant.
Genome position: GRCh38 VCF-style: chr8-67064342-C-T. GRCh37 (hg19) VCF-style: chr8-67976577-C-T.
Identifiers: ClinVar variation 1212697 (VCV001212697.32), dbSNP rs61735315, ClinGen allele CA178227877.

ClinVar aggregate classification (germline): Likely benign. Review status: criteria provided, multiple submitters, no conflicts (2 of 4 stars). 2 submissions from 2 submitters: Likely benign (2). Last evaluated 2022-11-01.

Allele frequency attached by ClinVar (database versions not stated): 1000 Genomes Project 30x 0.00281; 1000 Genomes Project 0.00300; TOPMed 0.00680.

Submissions (2):

CeGaT Center for Human Genetics Tuebingen
Classification: Likely benign. Last evaluated: 2022-11-01. Review status: criteria provided, single submitter. Criteria: CeGaT Center For Human Genetics Tuebingen Variant Classification Criteria Version 2. Collection method: clinical testing. Allele origin: germline. Affected: yes. Observed: 1 variant allele.
Comment: CSPP1: BS2

GeneDx
Classification: Likely benign. Last evaluated: 2018-08-15. Review status: criteria provided, single submitter. Criteria: GeneDx Variant Classification Process June 2021. Collection method: clinical testing. Allele origin: germline. Affected: yes.